The following is an entry in ClinVar:

NM_000384.3(APOB):c.11234del (p.Val3745fs)

Gene: APOB (apolipoprotein B; minus strand). Cytogenetic location: 2p24.1.
Variant type: Deletion.
Coding change: c.11234del on transcript NM_000384.3 (MANE Select); coding-DNA position 11234, one base deleted (T; older notation c.11234delT).
Protein change: p.Val3745fs; shifts the reading frame from valine 3745.
Molecular consequence: frameshift variant.
Genome position (GRCh38, 1-based): chr2:21,005,634, A deleted on the plus strand (T on the coding strand, the reverse complement: APOB is on the minus strand). VCF-style (leftmost placement, unchanged base first): chr2-21005633-GA-G. GRCh37 (hg19) VCF-style: chr2-21228505-GA-G.
Other names: short protein forms V3745fs.
Identifiers: ClinVar variation 3382761 (VCV003382761.3).
Genomic context (GRCh38, chr2:21,005,633, plus strand): 5'-GAAGTCAAGTTTGCACGATGGAACCTGAAGATCTGTAAATGGGACATGGAACGTAGGCAT[GA>G]CAAGAACTGAATTTAGATCATTTAGTTTCAGCCCAGGAATAATGAATTTATCAGCCAAAA-3'

ClinVar aggregate classification (germline): Likely pathogenic (1 of 4 stars; one submission).

Conditions:
Familial hypobetalipoproteinemia 1. Also called: APOB-Related Familial Hypobetalipoproteinemia; Hypobetalipoproteinemia, normotriglyceridemic; Acanthocytosis with hypobetalipoproteinemia. Identifiers: MedGen C4551990, MONDO:0014252, OMIM 615558.
Hypercholesterolemia, autosomal dominant, type B (FHCL2). Also called: APOLIPOPROTEIN B-100, FAMILIAL DEFECTIVE; APOLIPOPROTEIN B-100, FAMILIAL LIGAND-DEFECTIVE; HYPERCHOLESTEROLEMIA, FAMILIAL, DUE TO LIGAND-DEFECTIVE APOLIPOPROTEIN B; Familial hypercholesterolemia 2; APOB-Related Familial Hypercholesterolemia, Autosomal Dominant; Familial Hypercholesterolemia Type B. Identifiers: MedGen C1704417, MONDO:0007751, OMIM 144010.

Submission:

Juno Genomics, Hangzhou Juno Genomics, Inc
Classification: Likely pathogenic for Hypercholesterolemia, autosomal dominant, type B; Familial hypobetalipoproteinemia 1. Review status: criteria provided, single submitter. Criteria: ACMG Guidelines, 2015. Collection method: clinical testing. Allele origin: germline.
Comment: Null variant in a gene where loss of function (LOF) is a known mechanism of disease.;Absent from controls (or at extremely low frequency if recessive) in Genome Aggregation Database.